The following is an entry in ClinVar:

NM_000080.4(CHRNE):c.1216_1219+19del

Genes: CHRNE (cholinergic receptor nicotinic epsilon subunit; minus strand), LOC130060040 (ATAC-STARR-seq lymphoblastoid silent region 8049; plus strand). Cytogenetic location: 17p13.2.
Variant type: Deletion.
Coding change: c.1216_1219+19del on transcript NM_000080.4 (MANE Select); coding-DNA position 1216 through 19 bases into the intron after coding-DNA position 1219, 23 bases deleted (ACGGGTGAGCACAGTGGCCCTGG).
Molecular consequence: splice donor variant.
Genome position (GRCh38, 1-based): chr17:4,899,179-4,899,201, CCAGGGCCACTGTGCTCACCCGT deleted on the plus strand (ACGGGTGAGCACAGTGGCCCTGG on the coding strand, the reverse complement: CHRNE is on the minus strand); deleting any 23 consecutive bases within chr17:4,899,179-4,899,206 gives the same sequence; the c. name uses the placement nearest the transcript's 3' end. VCF-style (leftmost placement, unchanged base first): chr17-4899178-GCCAGGGCCACTGTGCTCACCCGT-G. GRCh37 (hg19) VCF-style: chr17-4802473-GCCAGGGCCACTGTGCTCACCCGT-G.
Other names: c.1216_1219+19delACGGGTGAGCACAGTGGCCCTGG (NM_000080.3).
Identifiers: ClinVar variation 1492244 (VCV001492244.14), dbSNP rs760623071, ClinGen allele CA8313975.
Genomic context (GRCh38, chr17:4,899,178, plus strand): 5'-AAACACCGGGGTGGGCCTTAGGAGCCTCCCCCCTGGCAGGCACCCCGCGCGGCCCCCCGG[GCCAGGGCCACTGTGCTCACCCGT>G]CCAGGTCCCCTGCCGGTGCCTCTGCCCCTCAAACACGAGCTCGCTCCGTGGCTTTTTCAG-3'

ClinVar aggregate classification (germline): Pathogenic/Likely pathogenic. Review status: criteria provided, multiple submitters, no conflicts (2 of 4 stars). 6 submissions from 6 submitters: Pathogenic (4); Likely pathogenic (2). Last evaluated 2025-09-12.

Conditions:
CHRNE-related disorder. Also called: CHRNE-related condition.
Congenital myasthenic syndrome (CMS). Also called: Congenital Myasthenic Syndromes. Identifiers: Orphanet 590, MedGen C0751882, MeSH D020294, MONDO:0018940.
Congenital myasthenic syndrome 4A. Also called: Myasthenic syndrome, congenital, 4a, slow-channel; MYASTHENIC SYNDROME, CONGENITAL, 4A, SLOW-CHANNEL, AUTOSOMAL RECESSIVE; CONGENITAL MYASTHENIC SYNDROME TYPE Ia1. Identifiers: Orphanet 590, MedGen C4225413, MONDO:0011600, OMIM 605809.

Submissions (6):

Myriad Genetics, Inc.
Classification: Pathogenic for Congenital myasthenic syndrome. Last evaluated: 2025-09-12. Review status: criteria provided, single submitter. Criteria: Myriad Autosomal Dominant, Autosomal Recessive and X-Linked Classification Criteria (2023). Collection method: clinical testing. Allele origin: unknown.
Comment: NM_000080.3(CHRNE):c.1216_1219+19del23 is a variant in a canonical splice site classified as pathogenic in the context of congenital myasthenic syndrome, CHRNE-related. c.1216_1219+19del23 has been observed in cases with relevant disease (PMID: 37721175). Relevant functional assessments of this variant are not available in the literature. c.1216_1219+19del23 has been observed in referenced population frequency databases. In summary, NM_000080.3(CHRNE):c.1216_1219+19del23 is a variant in a canonical splice site in a gene where loss of function is a known mechanism of disease, is predicted to disrupt protein function, and has been observed more frequently in cases with the relevant disease than in healthy populations. Please note: this variant was assessed in the context of healthy population screening.

Natera, Inc.
Classification: Pathogenic for Congenital myasthenic syndrome. Last evaluated: 2024-04-23. Review status: criteria provided, single submitter. Criteria: Natera Variant Classification Schema (03/2026). Collection method: clinical testing. Allele origin: germline.
Comment: The c.1216_1219+19delACGGGTGAGCACAGTGGCCCTGG variant in CHRNE is a frameshift variant predicted to shift the reading frame and introduce a stop codon. This variant is expected to result in nonsense mediated decay, truncation, or a dysfunctional protein product. This variant is rare in the general population with a frequency below the threshold expected for the associated phenotype(s). This variant has been observed in one or more individuals affected with the associated recessive disease, as either homozygous or compound heterozygous with a second variant (PMID: 30124556). Given the available evidence, this variant is classified as Pathogenic.

Labcorp Genetics (formerly Invitae), Labcorp
Classification: Likely pathogenic for Congenital myasthenic syndrome 4A. Last evaluated: 2024-01-31. Review status: criteria provided, single submitter. Criteria: Invitae Variant Classification Sherloc (09022015). Collection method: clinical testing. Allele origin: germline.
Comment: This variant results in the deletion of part of exon 10 (c.1216_1219+19del) of the CHRNE gene. It is expected to disrupt RNA splicing. Variants that disrupt the donor or acceptor splice site typically lead to a loss of protein function (PMID: 16199547), and loss-of-function variants in CHRNE are known to be pathogenic (PMID: 22678886). This variant is present in population databases (rs760623071, gnomAD 0.007%). This variant has not been reported in the literature in individuals affected with CHRNE-related conditions. ClinVar contains an entry for this variant (Variation ID: 1492244). In summary, the currently available evidence indicates that the variant is pathogenic, but additional data are needed to prove that conclusively. Therefore, this variant has been classified as Likely Pathogenic.

Baylor Genetics
Classification: Pathogenic for Congenital myasthenic syndrome 4A. Last evaluated: 2024-01-04. Review status: criteria provided, single submitter. Criteria: ACMG Guidelines, 2015. Collection method: clinical testing. Allele origin: unknown.

Revvity Omics, Revvity
Classification: Pathogenic. Last evaluated: 2022-02-14. Review status: criteria provided, single submitter. Criteria: ACMG Guidelines, 2015. Collection method: clinical testing. Allele origin: germline.

Blueprint Genetics
Classification: Likely pathogenic for CHRNE-related disorders. Last evaluated: 2018-09-25. Review status: criteria provided, single submitter. Criteria: ACMG Guidelines, 2015. Collection method: clinical testing. Allele origin: germline. Affected: yes. Observed: 1 variant allele.

Literature cited by the submitters: PubMed 37721175 (cited by Myriad Genetics, Inc.); PubMed 30124556 (cited by Natera, Inc.); PubMed 16199547 (cited by Labcorp Genetics (formerly Invitae), Labcorp); PubMed 22678886 (cited by Labcorp Genetics (formerly Invitae), Labcorp).